The following is an entry in ClinVar:

NM_000632.4(ITGAM):c.238G>A (p.Val80Ile)

Genes: ITGAM (integrin subunit alpha M; plus strand), LOC126862331 (P300/CBP strongly-dependent group 1 enhancer GRCh37_chr16:31276375-31277574; plus strand). Cytogenetic location: 16p11.2.
Variant type: single nucleotide variant.
Coding change: c.238G>A on transcript NM_000632.4 (MANE Select); coding-DNA position 238, G replaced by A.
Protein change: p.Val80Ile; replaces valine 80 with isoleucine.
Molecular consequence: missense variant.
Genome position (GRCh38, 1-based): chr16:31,265,498, G>A. VCF-style: chr16-31265498-G-A. GRCh37 (hg19) VCF-style: chr16-31276819-G-A.
Other names: c.238G>A, p.Val80Ile (NM_001145808.2); short protein forms V80I.
Identifiers: ClinVar variation 3689398 (VCV003689398.2).
Genomic context (GRCh38, chr16:31,265,498, plus strand): 5'-AGGGGCAGCCTCTACCAGTGCGACTACAGCACAGGCTCATGCGAGCCCATCCGCCTGCAG[G>A]GTGAGTCACTGCCCCGCCGGGCTGGGACTGGGATTCCCCTGTGAACACATAGGGACTTTC-3'
Protein context (NP_000623.2, residues 70-90): TGSCEPIRLQ[Val80Ile]PVEAVNMSLG

ClinVar aggregate classification (germline): Uncertain significance (1 of 4 stars; one submission).

Submission:

Labcorp Genetics (formerly Invitae), Labcorp
Classification: Uncertain significance. Last evaluated: 2024-07-24. Review status: criteria provided, single submitter. Criteria: Invitae Variant Classification Sherloc (09022015). Collection method: clinical testing. Allele origin: germline.
Comment: This sequence change replaces valine, which is neutral and non-polar, with isoleucine, which is neutral and non-polar, at codon 80 of the ITGAM protein (p.Val80Ile). This variant also falls at the last nucleotide of exon 3, which is part of the consensus splice site for this exon. This variant is not present in population databases (gnomAD no frequency). This variant has not been reported in the literature in individuals affected with ITGAM-related conditions. An algorithm developed to predict the effect of missense changes on protein structure and function outputs the following: PolyPhen-2: "Benign". The isoleucine amino acid residue is found in multiple mammalian species, which suggests that this missense change does not adversely affect protein function. Variants that disrupt the consensus splice site are a relatively common cause of aberrant splicing (PMID: 17576681, 9536098). In summary, the available evidence is currently insufficient to determine the role of this variant in disease. Therefore, it has been classified as a Variant of Uncertain Significance.

Literature cited by the submitters: PubMed 17576681; PubMed 9536098.